The following is an entry in ClinVar:

ClinVar aggregate classification (germline): Uncertain significance. Review status: criteria provided, multiple submitters, no conflicts (2 of 4 stars). 2 submissions from 2 submitters: Uncertain significance (2). Last evaluated 2025-01-08.

Conditions:
Hereditary nonpolyposis colorectal neoplasms. Identifiers: MedGen C0009405, MeSH D003123.
Hereditary cancer-predisposing syndrome. Also called: Hereditary Cancer Syndrome; Hereditary neoplastic syndrome; Tumor predisposition; Neoplastic Syndromes, Hereditary. Identifiers: Orphanet 140162, MedGen C0027672, MeSH D009386, MONDO:0015356.

Allele frequency attached by ClinVar (database versions not stated): gnomAD exomes below 0.00001.

Submissions (2):

Ambry Genetics
Classification: Uncertain significance for Hereditary cancer-predisposing syndrome. Last evaluated: 2025-01-08. Review status: criteria provided, single submitter. Criteria: Ambry Variant Classification Scheme 2023. Collection method: clinical testing. Allele origin: germline.
Comment: The c.3763_3765dupGAT variant (also known as p.D1255dup), located in coding exon 8 of the MSH6 gene, results from an in-frame duplication of GAT at nucleotide positions 3763 to 3765. This results in the duplication of an extra aspartic acid residue between codons 1255 and 1256. This amino acid position is well conserved in available vertebrate species. In addition, this alteration is predicted to be deleterious by in silico analysis (Choi Y et al. PLoS ONE. 2012; 7(10):e46688). Since supporting evidence is limited at this time, the clinical significance of this alteration remains unclear.

Labcorp Genetics (formerly Invitae), Labcorp
Classification: Uncertain significance for Hereditary nonpolyposis colorectal neoplasms. Last evaluated: 2023-05-08. Review status: criteria provided, single submitter. Criteria: Invitae Variant Classification Sherloc (09022015). Collection method: clinical testing. Allele origin: germline.
Comment: In summary, the available evidence is currently insufficient to determine the role of this variant in disease. Therefore, it has been classified as a Variant of Uncertain Significance. Experimental studies and prediction algorithms are not available or were not evaluated, and the functional significance of this variant is currently unknown. This variant, c.3763_3765dup, results in the insertion of 1 amino acid(s) of the MSH6 protein (p.Asp1255dup), but otherwise preserves the integrity of the reading frame. This variant is not present in population databases (gnomAD no frequency). This variant has not been reported in the literature in individuals affected with MSH6-related conditions. ClinVar contains an entry for this variant (Variation ID: 842821).

NM_000179.3(MSH6):c.3763_3765dup (p.Asp1255dup)

Gene: MSH6 (mutS homolog 6; plus strand). Cytogenetic location: 2p16.3.
Variant type: Duplication.
Coding change: c.3763_3765dup on transcript NM_000179.3 (MANE Select); coding-DNA positions 3763 to 3765, 3 bases duplicated (GAT; older notation c.3763_3765dupGAT).
Protein change: p.Asp1255dup; duplicates aspartic acid 1255.
Molecular consequence: inframe insertion.
Genome position (GRCh38, 1-based): chr2:47,806,320-47,806,322, GAT duplicated. VCF-style (leftmost placement, unchanged base first): chr2-47806319-A-AGAT. GRCh37 (hg19) VCF-style: chr2-48033458-A-AGAT.
Other names: c.3373_3375dup, p.Asp1125dup (NM_001281492.2); c.2857_2859dup, p.Asp953dup (NM_001281493.2, NM_001281494.2); c.3763_3765dupGAT (NM_000179.2).
Identifiers: ClinVar variation 842821 (VCV000842821.13), dbSNP rs1670061805, ClinGen allele CA916080291.
Genomic context (GRCh38, chr2:47,806,319, plus strand): 5'-ACTTGCTGAGACTATAAAATGTCGTACATTATTTTCAACTCACTACCATTCATTAGTAGA[A>AGAT]GATTATTCTCAAAATGTTGCTGTGCGCCTAGGACATATGGTATGTGCAAATTGTTTTTTT-3'